The following is an entry in ClinVar:

ClinVar aggregate classification (germline): Uncertain significance (1 of 4 stars; one submission).

Conditions:
PPARG-related disorder. Also called: PPARG-related condition; PPARG-related disorders.

gnomAD v4.1: 3 of 1,613,688 alleles (0.00019%); highest among the groups gnomAD compares: Admixed American, 0.0017%; no homozygotes.

Submission:

PreventionGenetics, part of Exact Sciences
Classification: Uncertain significance for PPARG-related condition. Last evaluated: 2024-11-27. Review status: criteria provided, single submitter. Criteria: ACMG Guidelines, 2015. Collection method: clinical testing. Allele origin: germline.
Comment: The PPARG c.167A>G variant is predicted to result in the amino acid substitution p.His56Arg. To our knowledge, this variant has not been reported in the literature. This variant is reported in 0.0029% of alleles in individuals of Latino descent in gnomAD. At this time, the clinical significance of this variant is uncertain due to the absence of conclusive functional and genetic evidence.

NM_138711.6(PPARG):c.77A>G (p.His26Arg)

Gene: PPARG (peroxisome proliferator activated receptor gamma; plus strand). Cytogenetic location: 3p25.2.
Variant type: single nucleotide variant.
Coding change: c.77A>G on transcript NM_138711.6 (MANE Select); coding-DNA position 77, A replaced by G.
Protein change: p.His26Arg; replaces histidine 26 with arginine.
Molecular consequence: missense variant. On other transcripts: 5 prime UTR variant (1).
Genome position (GRCh38, 1-based): chr3:12,379,788, A>G. VCF-style: chr3-12379788-A-G. GRCh37 (hg19) VCF-style: chr3-12421287-A-G.
Other names: c.77A>G, p.His26Arg (NM_001330615.4, NM_001354666.3, NM_001354667.3 and 6 more transcripts); c.167A>G, p.His56Arg (NM_001354668.2, NM_001374265.1, NM_015869.5); c.-351A>G (NM_001354669.2); c.83A>G, p.His28Arg (NM_001354670.2, NM_001374266.1); short protein forms H28R, H56R, H26R.
Identifiers: ClinVar variation 4992418 (VCV004992418.1).